The following is an entry in ClinVar:

ClinVar aggregate classification (germline): Uncertain significance. Review status: criteria provided, multiple submitters, no conflicts (2 of 4 stars). 2 submissions from 2 submitters: Uncertain significance (2). Last evaluated 2023-08-15.

Conditions:
Inborn genetic diseases. Identifiers: MedGen C0950123, MeSH D030342.
Immunodeficiency 67. Also called: Immunodeficiency due to interleukin-1 receptor-associated kinase-4 deficiency. Identifiers: Orphanet 70592, MedGen C1843256, MONDO:0011888, OMIM 607676.

Allele frequency attached by ClinVar (database versions not stated): TOPMed below 0.00001; gnomAD 0.00001.
gnomAD v4.1: 5 of 1,613,236 alleles (0.00031%); highest among the groups gnomAD compares: Admixed American, 0.0017%; no homozygotes.

Submissions (2):

Ambry Genetics
Classification: Uncertain significance for Inborn genetic diseases. Last evaluated: 2023-08-15. Review status: criteria provided, single submitter. Criteria: Ambry Variant Classification Scheme 2023. Collection method: clinical testing. Allele origin: germline.

Labcorp Genetics (formerly Invitae), Labcorp
Classification: Uncertain significance for Immunodeficiency 67. Last evaluated: 2022-03-01. Review status: criteria provided, single submitter. Criteria: Invitae Variant Classification Sherloc (09022015). Collection method: clinical testing. Allele origin: germline.
Comment: In summary, the available evidence is currently insufficient to determine the role of this variant in disease. Therefore, it has been classified as a Variant of Uncertain Significance. Advanced modeling of protein sequence and biophysical properties (such as structural, functional, and spatial information, amino acid conservation, physicochemical variation, residue mobility, and thermodynamic stability) performed at Invitae indicates that this missense variant is not expected to disrupt IRAK4 protein function. This variant has not been reported in the literature in individuals affected with IRAK4-related conditions. This variant is not present in population databases (gnomAD no frequency). This sequence change replaces aspartic acid, which is acidic and polar, with glutamic acid, which is acidic and polar, at codon 149 of the IRAK4 protein (p.Asp149Glu).

NM_016123.4(IRAK4):c.447C>G (p.Asp149Glu)

Gene: IRAK4 (interleukin 1 receptor associated kinase 4; plus strand). Cytogenetic location: 12q12.
Variant type: single nucleotide variant.
Coding change: c.447C>G on transcript NM_016123.4 (MANE Select); coding-DNA position 447, C replaced by G.
Protein change: p.Asp149Glu; replaces aspartic acid 149 with glutamic acid.
Molecular consequence: missense variant. On other transcripts: 5 prime UTR variant (2).
Genome position (GRCh38, 1-based): chr12:43,772,319, C>G. VCF-style: chr12-43772319-C-G. GRCh37 (hg19) VCF-style: chr12-44166122-C-G.
Other names: c.447C>G, p.Asp149Glu (NM_001114182.3, NM_001351345.2); c.75C>G, p.Asp25Glu (NM_001145256.2, NM_001145257.2, NM_001145258.2 and 5 more transcripts); c.-77C>G (NM_001351343.2, NM_001351344.2); short protein forms D149E, D25E.
Identifiers: ClinVar variation 1957642 (VCV001957642.5), dbSNP rs1317246393, ClinGen allele CA384469569.